The following is an entry in ClinVar:

ClinVar aggregate classification (germline): Uncertain significance. Review status: criteria provided, multiple submitters, no conflicts (2 of 4 stars). 4 submissions from 4 submitters: Uncertain significance (4). Last evaluated 2025-11-25.

Conditions:
Hereditary cancer-predisposing syndrome. Also called: Neoplastic Syndromes, Hereditary; Hereditary Cancer Syndrome; Tumor predisposition; Hereditary neoplastic syndrome. Identifiers: Orphanet 140162, MedGen C0027672, MeSH D009386, MONDO:0015356.
Familial cancer of breast. Also called: Hereditary breast cancer; BREAST CANCER, FAMILIAL; hereditary breast carcinoma. Identifiers: Orphanet 227535, MedGen C0346153, MONDO:0016419, OMIM 114480. Disease mechanism: loss of function.
Ataxia-telangiectasia syndrome (AT). Also called: LOUIS-BAR SYNDROME; Cerebello-oculocutaneous telangiectasia; Immunodeficiency with ataxia telangiectasia; Ataxia-telangiectasia, complementation group D; AT, COMPLEMENTATION GROUP C; Ataxia-telangiectasia, complementation group E. Identifiers: Orphanet 100, MedGen C0004135, MONDO:0008840, OMIM 208900.

gnomAD v4.1: 1 of 1,613,494 alleles (0.000062%); no homozygotes.

Submissions (4):

Ambry Genetics
Classification: Uncertain significance for Hereditary cancer-predisposing syndrome. Last evaluated: 2025-11-25. Review status: criteria provided, single submitter. Criteria: Ambry Variant Classification Scheme 2023. Collection method: clinical testing. Allele origin: germline.
Comment: The p.Y2514F variant (also known as c.7541A>T), located in coding exon 50 of the ATM gene, results from an A to T substitution at nucleotide position 7541. The tyrosine at codon 2514 is replaced by phenylalanine, an amino acid with highly similar properties. This amino acid position is well conserved in available vertebrate species. In addition, the in silico prediction for this alteration is inconclusive. Since supporting evidence is limited at this time, the clinical significance of this alteration remains unclear.

KCCC/NGS Laboratory, Kuwait Cancer Control Center
Classification: Uncertain significance for Familial cancer of breast. Last evaluated: 2025-08-04. Review status: criteria provided, single submitter. Criteria: ACMG Guidelines, 2015. Collection method: clinical testing. Allele origin: germline. Inheritance: Autosomal dominant inheritance. Affected: yes. Observed: 1 heterozygote.
Comment: This sequence change replaces tyrosine, which is neutral and polar, with phenylalanine, which is neutral and non-polar, at codon 2514 of the ATM protein (p.Tyr2514Phe).This amino acid position is well conserved.

Labcorp Genetics (formerly Invitae), Labcorp
Classification: Uncertain significance for Ataxia-telangiectasia syndrome. Last evaluated: 2024-09-25. Review status: criteria provided, single submitter. Criteria: Invitae Variant Classification Sherloc (09022015). Collection method: clinical testing. Allele origin: germline.
Comment: This sequence change replaces tyrosine, which is neutral and polar, with phenylalanine, which is neutral and non-polar, at codon 2514 of the ATM protein (p.Tyr2514Phe). This variant is not present in population databases (gnomAD no frequency). This variant has not been reported in the literature in individuals affected with ATM-related conditions. ClinVar contains an entry for this variant (Variation ID: 482573). An algorithm developed to predict the effect of missense changes on protein structure and function (PolyPhen-2) suggests that this variant is likely to be tolerated. In summary, the available evidence is currently insufficient to determine the role of this variant in disease. Therefore, it has been classified as a Variant of Uncertain Significance.

Baylor Genetics
Classification: Uncertain significance for Familial cancer of breast. Last evaluated: 2024-01-26. Review status: criteria provided, single submitter. Criteria: ACMG Guidelines, 2015. Collection method: clinical testing. Allele origin: unknown.

NM_000051.4(ATM):c.7541A>T (p.Tyr2514Phe)

Genes: ATM (ATM serine/threonine kinase; plus strand), C11orf65 (chromosome 11 open reading frame 65; minus strand). Cytogenetic location: 11q22.3.
Variant type: single nucleotide variant.
Coding change: c.7541A>T on transcript NM_000051.4 (MANE Select); coding-DNA position 7541, A replaced by T.
Protein change: p.Tyr2514Phe; replaces tyrosine 2514 with phenylalanine.
Molecular consequence: missense variant. On other transcripts: non-coding transcript variant (1), intron variant (2).
Genome position (GRCh38, 1-based): chr11:108,331,469, A>T. VCF-style: chr11-108331469-A-T. GRCh37 (hg19) VCF-style: chr11-108202196-A-T.
Other names: c.7541A>T, p.Tyr2514Phe (NM_001351834.2); c.641-22398T>A (NM_001330368.2); c.*38+3751T>A (NM_001351110.2); short protein forms Y2514F.
Identifiers: ClinVar variation 482573 (VCV000482573.13), dbSNP rs1555123994, ClinGen allele CA382560687.